The following is an entry in ClinVar:

NM_018368.4(LMBRD1):c.23C>T (p.Ser8Leu)

Gene: LMBRD1 (LMBR1 domain containing 1; minus strand). Cytogenetic location: 6q13.
Variant type: single nucleotide variant.
Coding change: c.23C>T on transcript NM_018368.4 (MANE Select); coding-DNA position 23, C replaced by T.
Protein change: p.Ser8Leu; replaces serine 8 with leucine.
Molecular consequence: missense variant.
Genome position (GRCh38, 1-based): chr6:69,796,859, G>A on the plus strand (C>T on the coding strand, the complement: LMBRD1 is on the minus strand). VCF-style: chr6-69796859-G-A. GRCh37 (hg19) VCF-style: chr6-70506751-G-A.
Other names: short protein forms S8L.
Identifiers: ClinVar variation 2173718 (VCV002173718.4), dbSNP rs200743541, ClinGen allele CA3880048.

ClinVar aggregate classification (germline): Uncertain significance (1 of 4 stars; one submission).

Conditions:
Methylmalonic aciduria and homocystinuria type cblF. Also called: COBALAMIN F DISEASE; COBALAMIN, DEFECT IN LYSOSOMAL RELEASE OF; METHYLMALONIC ACIDEMIA AND HOMOCYSTINURIA, cblF TYPE; METHYLMALONIC ACIDURIA DUE TO VITAMIN B12-RELEASE DEFECT; VITAMIN B12 LYSOSOMAL RELEASE DEFECT; VITAMIN B12 STORAGE DISEASE. Identifiers: Orphanet 79284, MedGen C1848578, MONDO:0010183, OMIM 277380.

Allele frequency attached by ClinVar (database versions not stated): gnomAD exomes below 0.00001; gnomAD 0.00001; 1000 Genomes Project 30x 0.00016; 1000 Genomes Project 0.00020.

Submission:

Labcorp Genetics (formerly Invitae), Labcorp
Classification: Uncertain significance for Methylmalonic aciduria and homocystinuria type cblF. Last evaluated: 2023-05-15. Review status: criteria provided, single submitter. Criteria: Invitae Variant Classification Sherloc (09022015). Collection method: clinical testing. Allele origin: germline.
Comment: In summary, the available evidence is currently insufficient to determine the role of this variant in disease. Therefore, it has been classified as a Variant of Uncertain Significance. An algorithm developed to predict the effect of missense changes on protein structure and function (PolyPhen-2) suggests that this variant is likely to be tolerated. ClinVar contains an entry for this variant (Variation ID: 2173718). This variant has not been reported in the literature in individuals affected with LMBRD1-related conditions. This variant is present in population databases (rs200743541, gnomAD 0.005%). This sequence change replaces serine, which is neutral and polar, with leucine, which is neutral and non-polar, at codon 8 of the LMBRD1 protein (p.Ser8Leu).